The following is an entry in ClinVar:

ClinVar aggregate classification (germline): Uncertain significance (1 of 4 stars; one submission).

Conditions:
Emery-Dreifuss muscular dystrophy 5, autosomal dominant (EDMD5). Also called: EMERY-DREIFUSS MUSCULAR DYSTROPHY 5. Identifiers: Orphanet 261, MedGen C2751805, MONDO:0013072, OMIM 612999.

gnomAD v4.1: 2 of 1,613,524 alleles (0.00012%); highest among the groups gnomAD compares: Non-Finnish European, 0.00017%; no homozygotes.

Submission:

Labcorp Genetics (formerly Invitae), Labcorp
Classification: Uncertain significance for Emery-Dreifuss muscular dystrophy 5, autosomal dominant. Last evaluated: 2022-07-06. Review status: criteria provided, single submitter. Criteria: Invitae Variant Classification Sherloc (09022015). Collection method: clinical testing. Allele origin: germline.
Comment: In summary, the available evidence is currently insufficient to determine the role of this variant in disease. Therefore, it has been classified as a Variant of Uncertain Significance. Algorithms developed to predict the effect of missense changes on protein structure and function are either unavailable or do not agree on the potential impact of this missense change (SIFT: "Tolerated"; PolyPhen-2: "Probably Damaging"; Align-GVGD: "Class C0"). ClinVar contains an entry for this variant (Variation ID: 1427378). This variant has not been reported in the literature in individuals affected with SYNE2-related conditions. This variant is not present in population databases (gnomAD no frequency). This sequence change replaces lysine, which is basic and polar, with arginine, which is basic and polar, at codon 4785 of the SYNE2 protein (p.Lys4785Arg).

NM_182914.3(SYNE2):c.14354A>G (p.Lys4785Arg)

Gene: SYNE2 (spectrin repeat containing nuclear envelope protein 2; plus strand). Cytogenetic location: 14q23.2.
Variant type: single nucleotide variant.
Coding change: c.14354A>G on transcript NM_182914.3 (MANE Select); coding-DNA position 14354, A replaced by G.
Protein change: p.Lys4785Arg; replaces lysine 4785 with arginine.
Molecular consequence: missense variant.
Genome position (GRCh38, 1-based): chr14:64,132,278, A>G. VCF-style: chr14-64132278-A-G. GRCh37 (hg19) VCF-style: chr14-64598996-A-G.
Other names: c.14354A>G, p.Lys4785Arg (NM_015180.6); short protein forms K4785R.
Identifiers: ClinVar variation 1427378 (VCV001427378.8), dbSNP rs2153681761, ClinGen allele CA389982684.